The following is an entry in ClinVar:

ClinVar aggregate classification (germline): Uncertain significance (1 of 4 stars; one submission).

gnomAD v4.1: 6 of 1,604,762 alleles (0.00037%); highest among the groups gnomAD compares: Admixed American, 0.0017%; no homozygotes.

Submission:

Dasa
Classification: Uncertain significance. Last evaluated: 2025-06-27. Review status: criteria provided, single submitter. Criteria: DASA Assertion Criteria. Collection method: clinical testing. Allele origin: germline.
Comment: NM_001384125.1(KIAA1109):c.266A>G (p.Tyr89Cys) is a missense variant that results in the substitution of tyrosine with cysteine. This variant is rare in population databases. Computational prediction algorithms are consistent with a benign effect. The currently available literature and clinical evidence are not sufficient to establish a definitive association between this variant and the reported condition. Therefore, this variant is classified as a variant of uncertain significance.

NM_001384125.1(BLTP1):c.266A>G (p.Tyr89Cys)

Gene: BLTP1 (bridge-like lipid transfer protein family member 1; plus strand). Cytogenetic location: 4q27.
Variant type: single nucleotide variant.
Coding change: c.266A>G on transcript NM_001384125.1 (MANE Select); coding-DNA position 266, A replaced by G.
Protein change: p.Tyr89Cys; replaces tyrosine 89 with cysteine.
Molecular consequence: missense variant.
Genome position (GRCh38, 1-based): chr4:122,174,625, A>G. VCF-style: chr4-122174625-A-G. GRCh37 (hg19) VCF-style: chr4-123095780-A-G.
Other names: c.266A>G, p.Tyr89Cys (NM_015312.4); short protein forms Y89C.
Identifiers: ClinVar variation 4886664 (VCV004886664.2).